The following is an entry in ClinVar:

NM_000117.3(EMD):c.277G>T (p.Asp93Tyr)

Gene: EMD (emerin; plus strand). Cytogenetic location: Xq28.
Variant type: single nucleotide variant.
Coding change: c.277G>T on transcript NM_000117.3 (MANE Select); coding-DNA position 277, G replaced by T.
Protein change: p.Asp93Tyr; replaces aspartic acid 93 with tyrosine.
Molecular consequence: missense variant.
Genome position (GRCh38, 1-based): chrX:154,380,245, G>T. VCF-style: chrX-154380245-G-T. GRCh37 (hg19) VCF-style: chrX-153608605-G-T.
Other names: short protein forms D93Y.
Identifiers: ClinVar variation 3508172 (VCV003508172.3).

ClinVar aggregate classification (germline): Uncertain significance. Review status: criteria provided, multiple submitters, no conflicts (2 of 4 stars). 2 submissions from 2 submitters: Uncertain significance (2). Last evaluated 2024-10-16.

Conditions:
X-linked Emery-Dreifuss muscular dystrophy. Also called: Muscular dystrophy, tardive Emery-Dreifuss type, with contractures. Identifiers: Orphanet 261, Orphanet 98863, MedGen C0751337, MONDO:0010680.
Cardiovascular phenotype. Identifiers: MedGen CN230736.

Submissions (2):

Labcorp Genetics (formerly Invitae), Labcorp
Classification: Uncertain significance for X-linked Emery-Dreifuss muscular dystrophy. Last evaluated: 2024-10-16. Review status: criteria provided, single submitter. Criteria: Invitae Variant Classification Sherloc (09022015). Collection method: clinical testing. Allele origin: germline.
Comment: This sequence change replaces aspartic acid, which is acidic and polar, with tyrosine, which is neutral and polar, at codon 93 of the EMD protein (p.Asp93Tyr). This variant is not present in population databases (gnomAD no frequency). This variant has not been reported in the literature in individuals affected with EMD-related conditions. Invitae Evidence Modeling of protein sequence and biophysical properties (such as structural, functional, and spatial information, amino acid conservation, physicochemical variation, residue mobility, and thermodynamic stability) indicates that this missense variant is not expected to disrupt EMD protein function with a negative predictive value of 80%. In summary, the available evidence is currently insufficient to determine the role of this variant in disease. Therefore, it has been classified as a Variant of Uncertain Significance.

Ambry Genetics
Classification: Uncertain significance for Cardiovascular phenotype. Last evaluated: 2024-08-22. Review status: criteria provided, single submitter. Criteria: Ambry Variant Classification Scheme 2023. Collection method: clinical testing. Allele origin: germline.
Comment: The p.D93Y variant (also known as c.277G>T), located in coding exon 4 of the EMD gene, results from a G to T substitution at nucleotide position 277. The aspartic acid at codon 93 is replaced by tyrosine, an amino acid with highly dissimilar properties. This amino acid position is well conserved in available vertebrate species. In addition, the in silico prediction for this alteration is inconclusive. Based on the available evidence, the clinical significance of this variant remains unclear.